The following is an entry in ClinVar:

NM_001379110.1(SLC9A6):c.400A>G (p.Ile134Val)

Gene: SLC9A6 (solute carrier family 9 member A6; plus strand). Cytogenetic location: Xq26.3.
Variant type: single nucleotide variant.
Coding change: c.400A>G on transcript NM_001379110.1 (MANE Select); coding-DNA position 400, A replaced by G.
Protein change: p.Ile134Val; replaces isoleucine 134 with valine.
Molecular consequence: missense variant.
Genome position (GRCh38, 1-based): chrX:135,998,138, A>G. VCF-style: chrX-135998138-A-G. GRCh37 (hg19) VCF-style: chrX-135080297-A-G.
Other names: c.556A>G, p.Ile186Val (NM_001042537.2); c.400A>G, p.Ile134Val (NM_001177651.2); c.304A>G, p.Ile102Val (NM_001330652.2); c.460A>G, p.Ile154Val (NM_006359.3); short protein forms I186V, I154V, I102V, I134V.
Identifiers: ClinVar variation 1369934 (VCV001369934.6), dbSNP rs2089531604, ClinGen allele CA414749762.

ClinVar aggregate classification (germline): Uncertain significance (1 of 4 stars; one submission).

Conditions:
Christianson syndrome (MRXSCH). Also called: X-linked mental retardation, syndromic, Christianson type; INTELLECTUAL DEVELOPMENTAL DISORDER, X-LINKED, SYNDROMIC, CHRISTIANSON TYPE; SLC9A6-Related Syndromic Mental Retardation. Identifiers: Orphanet 85278, MedGen C2678194, MONDO:0010278, OMIM 300243.

Allele frequency attached by ClinVar (database versions not stated): gnomAD exomes below 0.00001; TOPMed 0.00001.
gnomAD v4.1: 1 of 1,131,134 alleles (0.000088%); highest among the groups gnomAD compares: East Asian, 0.003%; no homozygotes.

Submission:

Labcorp Genetics (formerly Invitae), Labcorp
Classification: Uncertain significance for Christianson syndrome. Last evaluated: 2025-01-30. Review status: criteria provided, single submitter. Criteria: Invitae Variant Classification Sherloc (09022015). Collection method: clinical testing. Allele origin: germline.
Comment: This sequence change replaces isoleucine, which is neutral and non-polar, with valine, which is neutral and non-polar, at codon 154 of the SLC9A6 protein (p.Ile154Val). This variant is not present in population databases (gnomAD no frequency). This variant has not been reported in the literature in individuals affected with SLC9A6-related conditions. ClinVar contains an entry for this variant (Variation ID: 1369934). Invitae Evidence Modeling of protein sequence and biophysical properties (such as structural, functional, and spatial information, amino acid conservation, physicochemical variation, residue mobility, and thermodynamic stability) indicates that this missense variant is not expected to disrupt SLC9A6 protein function with a negative predictive value of 80%. In summary, the available evidence is currently insufficient to determine the role of this variant in disease. Therefore, it has been classified as a Variant of Uncertain Significance.